The following is an entry in ClinVar:

NM_016107.5(ZFR):c.97C>G (p.His33Asp)

Gene: ZFR (zinc finger RNA binding protein; minus strand). Cytogenetic location: 5p13.3.
Variant type: single nucleotide variant.
Coding change: c.97C>G on transcript NM_016107.5 (MANE Select); coding-DNA position 97, C replaced by G.
Protein change: p.His33Asp; replaces histidine 33 with aspartic acid.
Molecular consequence: missense variant. On other transcripts: non-coding transcript variant (1).
Genome position (GRCh38, 1-based): chr5:32,444,269, G>C on the plus strand (C>G on the coding strand, the complement: ZFR is on the minus strand). VCF-style: chr5-32444269-G-C. GRCh37 (hg19) VCF-style: chr5-32444375-G-C.
Other names: short protein forms H33D.
Identifiers: ClinVar variation 2849176 (VCV002849176.3), dbSNP rs2477767965, ClinGen allele CA359363839.

ClinVar aggregate classification (germline): Uncertain significance (1 of 4 stars; one submission).

Conditions:
Pure or complex autosomal recessive spastic paraplegia. Identifiers: Orphanet 320346, MedGen C5679887, MONDO:0017915.

Submission:

Labcorp Genetics (formerly Invitae), Labcorp
Classification: Uncertain significance for Pure or complex autosomal recessive spastic paraplegia. Last evaluated: 2024-06-17. Review status: criteria provided, single submitter. Criteria: Invitae Variant Classification Sherloc (09022015). Collection method: clinical testing. Allele origin: germline.
Comment: This sequence change replaces histidine, which is basic and polar, with aspartic acid, which is acidic and polar, at codon 33 of the ZFR protein (p.His33Asp). This variant is not present in population databases (gnomAD no frequency). This variant has not been reported in the literature in individuals affected with ZFR-related conditions. An algorithm developed to predict the effect of missense changes on protein structure and function (PolyPhen-2) suggests that this variant is likely to be disruptive. In summary, the available evidence is currently insufficient to determine the role of this variant in disease. Therefore, it has been classified as a Variant of Uncertain Significance.